The following is an entry in ClinVar:

ClinVar aggregate classification (germline): Uncertain significance (1 of 4 stars; one submission).

Conditions:
Ataxia-telangiectasia syndrome (AT). Also called: Ataxia-telangiectasia, complementation group D; AT, COMPLEMENTATION GROUP C; Ataxia-telangiectasia; Ataxia telangiectasia (A-T); Cerebello-oculocutaneous telangiectasia; Immunodeficiency with ataxia telangiectasia. Identifiers: Orphanet 100, MedGen C0004135, MONDO:0008840, OMIM 208900.

Submission:

Labcorp Genetics (formerly Invitae), Labcorp
Classification: Uncertain significance for Ataxia-telangiectasia syndrome. Last evaluated: 2024-02-23. Review status: criteria provided, single submitter. Criteria: Invitae Variant Classification Sherloc (09022015). Collection method: clinical testing. Allele origin: germline.
Comment: This sequence change replaces tyrosine, which is neutral and polar, with histidine, which is basic and polar, at codon 1055 of the ATM protein (p.Tyr1055His). This variant is not present in population databases (gnomAD no frequency). This variant has not been reported in the literature in individuals affected with ATM-related conditions. An algorithm developed to predict the effect of missense changes on protein structure and function (PolyPhen-2) suggests that this variant is likely to be tolerated. In summary, the available evidence is currently insufficient to determine the role of this variant in disease. Therefore, it has been classified as a Variant of Uncertain Significance.

NM_000051.4(ATM):c.3163T>C (p.Tyr1055His)

Gene: ATM (ATM serine/threonine kinase; plus strand). Cytogenetic location: 11q22.3.
Variant type: single nucleotide variant.
Coding change: c.3163T>C on transcript NM_000051.4 (MANE Select); coding-DNA position 3163, T replaced by C.
Protein change: p.Tyr1055His; replaces tyrosine 1055 with histidine.
Molecular consequence: missense variant.
Genome position (GRCh38, 1-based): chr11:108,272,731, T>C. VCF-style: chr11-108272731-T-C. GRCh37 (hg19) VCF-style: chr11-108143458-T-C.
Other names: c.3163T>C, p.Tyr1055His (NM_001351834.2); short protein forms Y1055H.
Identifiers: ClinVar variation 3607346 (VCV003607346.2).
Genomic context (GRCh38, chr11:108,272,731, plus strand): 5'-AATGAGTAATTTTTCTCTATTTCATATTTAACCACAGTTCTTTTCCCGTAGGCTGATCCT[T>C]ATTCAAAATGGGCCATTCTTAATGTAATGGGAAAAGACTTTCCTGTAAATGAAGTATTTA-3'
Protein context (NP_000042.3, residues 1045-1065): CLKTLLEADP[Tyr1055His]SKWAILNVMG